The following is an entry in ClinVar:

NM_176869.3(PPA2):c.28A>T (p.Thr10Ser)

Gene: PPA2 (inorganic pyrophosphatase 2; minus strand). Cytogenetic location: 4q24.
Variant type: single nucleotide variant.
Coding change: c.28A>T on transcript NM_176869.3 (MANE Select); coding-DNA position 28, A replaced by T.
Protein change: p.Thr10Ser; replaces threonine 10 with serine.
Molecular consequence: missense variant.
Genome position (GRCh38, 1-based): chr4:105,474,023, T>A on the plus strand (A>T on the coding strand, the complement: PPA2 is on the minus strand). VCF-style: chr4-105474023-T-A. GRCh37 (hg19) VCF-style: chr4-106395180-T-A.
Other names: c.28A>T, p.Thr10Ser (NM_006903.4, NM_176866.2, NM_176867.3); short protein forms T10S.
Identifiers: ClinVar variation 1380643 (VCV001380643.5), dbSNP rs956242725, ClinGen allele CA103372960.

ClinVar aggregate classification (germline): Uncertain significance (1 of 4 stars; one submission).

Allele frequency attached by ClinVar (database versions not stated): gnomAD 0.00001; TOPMed 0.00002.
gnomAD v4.1: 1 of 1,599,488 alleles (0.000063%); highest among the groups gnomAD compares: African/African-American, 0.0013%; no homozygotes.

Submission:

Labcorp Genetics (formerly Invitae), Labcorp
Classification: Uncertain significance. Last evaluated: 2021-12-03. Review status: criteria provided, single submitter. Criteria: Invitae Variant Classification Sherloc (09022015). Collection method: clinical testing. Allele origin: germline.
Comment: In summary, the available evidence is currently insufficient to determine the role of this variant in disease. Therefore, it has been classified as a Variant of Uncertain Significance. Algorithms developed to predict the effect of missense changes on protein structure and function (SIFT, PolyPhen-2, Align-GVGD) all suggest that this variant is likely to be tolerated. This variant has not been reported in the literature in individuals affected with PPA2-related conditions. This variant is not present in population databases (gnomAD no frequency). This sequence change replaces threonine, which is neutral and polar, with serine, which is neutral and polar, at codon 10 of the PPA2 protein (p.Thr10Ser).